The following is an entry in ClinVar:

NM_004218.4(RAB11B):c.214C>T (p.Arg72Cys)

Gene: RAB11B (RAB11B, member RAS oncogene family; plus strand). Cytogenetic location: 19p13.2.
Variant type: single nucleotide variant.
Coding change: c.214C>T on transcript NM_004218.4 (MANE Select); coding-DNA position 214, C replaced by T.
Protein change: p.Arg72Cys; replaces arginine 72 with cysteine.
Molecular consequence: missense variant.
Genome position (GRCh38, 1-based): chr19:8,400,036, C>T. VCF-style: chr19-8400036-C-T. GRCh37 (hg19) VCF-style: chr19-8464920-C-T.
Other names: short protein forms R72C.
Identifiers: ClinVar variation 3252751 (VCV003252751.1), dbSNP rs2512745305.

ClinVar aggregate classification (germline): Uncertain significance (1 of 4 stars; one submission).

Allele frequency attached by ClinVar (database versions not stated): gnomAD exomes below 0.00001.
gnomAD v4.1: 1 of 1,613,548 alleles (0.000062%); highest among the groups gnomAD compares: Non-Finnish European, 0.000085%; no homozygotes.

Submission:

GeneDx
Classification: Uncertain significance. Last evaluated: 2024-03-29. Review status: criteria provided, single submitter. Criteria: GeneDx Variant Classification Process June 2021. Collection method: clinical testing. Allele origin: germline. Affected: yes.
Comment: Not observed in large population cohorts (gnomAD); In silico analysis supports that this missense variant has a deleterious effect on protein structure/function; Has not been previously published as pathogenic or benign to our knowledge